The following is an entry in ClinVar:

ClinVar aggregate classification (germline): Uncertain significance. Review status: criteria provided, single submitter (1 of 4 stars). 2 submissions from 2 submitters: Uncertain significance (1). 1 of the submissions does not count toward it. Last evaluated 2021-08-27.

Conditions:
MHC class II deficiency. Also called: BLS, TYPE II; Bare lymphocyte syndrome 2. Identifiers: Orphanet 572, MedGen C5447452, MONDO:0008855.

Allele frequency attached by ClinVar (database versions not stated): TOPMed 0.00002.
gnomAD v4.1: 13 of 1,614,070 alleles (0.00081%); highest among the groups gnomAD compares: Admixed American, 0.0017%; no homozygotes.

Submissions (2):

Labcorp Genetics (formerly Invitae), Labcorp
Classification: Uncertain significance for MHC class II deficiency. Last evaluated: 2021-08-27. Review status: criteria provided, single submitter. Criteria: Invitae Variant Classification Sherloc (09022015). Collection method: clinical testing. Allele origin: germline.
Comment: This sequence change replaces glutamic acid with lysine at codon 727 of the CIITA protein (p.Glu727Lys). The glutamic acid residue is moderately conserved and there is a small physicochemical difference between glutamic acid and lysine. This variant is present in population databases (rs548646642, ExAC 0.002%). This variant has not been reported in the literature in individuals affected with CIITA-related conditions. Algorithms developed to predict the effect of missense changes on protein structure and function (SIFT, PolyPhen-2, Align-GVGD) all suggest that this variant is likely to be tolerated. In summary, the available evidence is currently insufficient to determine the role of this variant in disease. Therefore, it has been classified as a Variant of Uncertain Significance.

Natera, Inc.
Classification: Uncertain significance for Bare lymphocyte syndrome type II. Last evaluated: 2021-09-08. Review status: no assertion criteria provided. Collection method: clinical testing. Allele origin: germline. Not counted in ClinVar's aggregate classification.

NM_000246.4(CIITA):c.2179G>A (p.Glu727Lys)

Gene: CIITA (class II major histocompatibility complex transactivator; plus strand). Cytogenetic location: 16p13.13.
Variant type: single nucleotide variant.
Coding change: c.2179G>A on transcript NM_000246.4 (MANE Select); coding-DNA position 2179, G replaced by A.
Protein change: p.Glu727Lys; replaces glutamic acid 727 with lysine.
Molecular consequence: missense variant. On other transcripts: intron variant (1).
Genome position (GRCh38, 1-based): chr16:10,907,671, G>A. VCF-style: chr16-10907671-G-A. GRCh37 (hg19) VCF-style: chr16-11001528-G-A.
Other names: c.2182G>A, p.Glu728Lys (NM_001286402.1, NM_001379332.1); c.2035G>A, p.Glu679Lys (NM_001379330.1); c.2032G>A, p.Glu678Lys (NM_001379331.1); c.2179G>A, p.Glu727Lys (NM_001379333.1); c.2110G>A, p.Glu704Lys (NM_001379334.1); c.860-1312G>A (NM_001286403.2); short protein forms E679K, E704K, E728K, E727K, E678K.
Identifiers: ClinVar variation 1036603 (VCV001036603.10), dbSNP rs548646642, ClinGen allele CA7900315.